The following is an entry in ClinVar:

NM_001364905.1(LRBA):c.2020G>A (p.Glu674Lys)

Gene: LRBA (LPS responsive beige-like anchor protein; minus strand). Cytogenetic location: 4q31.3.
Variant type: single nucleotide variant.
Coding change: c.2020G>A on transcript NM_001364905.1 (MANE Select); coding-DNA position 2020, G replaced by A.
Protein change: p.Glu674Lys; replaces glutamic acid 674 with lysine.
Molecular consequence: missense variant.
Genome position (GRCh38, 1-based): chr4:150,896,441, C>T on the plus strand (G>A on the coding strand, the complement: LRBA is on the minus strand). VCF-style: chr4-150896441-C-T. GRCh37 (hg19) VCF-style: chr4-151817593-C-T.
Other names: c.2020G>A, p.Glu674Lys (NM_001199282.3, NM_001367550.1, NM_006726.5); short protein forms E674K.
Identifiers: ClinVar variation 1435958 (VCV001435958.6), dbSNP rs773891031, ClinGen allele CA358429139.

ClinVar aggregate classification (germline): Uncertain significance (1 of 4 stars; one submission).

Conditions:
Combined immunodeficiency due to LRBA deficiency. Also called: Common variable immunodeficiency 8, with autoimmunity. Identifiers: Orphanet 445018, MedGen C3553512, MONDO:0013863, OMIM 614700.

Allele frequency attached by ClinVar (database versions not stated): TOPMed below 0.00001.

Submission:

Labcorp Genetics (formerly Invitae), Labcorp
Classification: Uncertain significance for Combined immunodeficiency due to LRBA deficiency. Last evaluated: 2021-12-06. Review status: criteria provided, single submitter. Criteria: Invitae Variant Classification Sherloc (09022015). Collection method: clinical testing. Allele origin: germline.
Comment: In summary, the available evidence is currently insufficient to determine the role of this variant in disease. Therefore, it has been classified as a Variant of Uncertain Significance. Algorithms developed to predict the effect of missense changes on protein structure and function (SIFT, PolyPhen-2, Align-GVGD) all suggest that this variant is likely to be tolerated. This variant has not been reported in the literature in individuals affected with LRBA-related conditions. This variant is not present in population databases (gnomAD no frequency). This sequence change replaces glutamic acid, which is acidic and polar, with lysine, which is basic and polar, at codon 674 of the LRBA protein (p.Glu674Lys).